The following is an entry in ClinVar:

ClinVar aggregate classification (germline): Likely pathogenic (1 of 4 stars; one submission).

Conditions:
Mitochondrial complex I deficiency, nuclear type 16. Also called: Mitochondrial complex 1 deficiency, nuclear type 16. Identifiers: MedGen C4748785, MONDO:0032621, OMIM 618238.

Submission:

Juno Genomics, Hangzhou Juno Genomics, Inc
Classification: Likely pathogenic for Mitochondrial complex I deficiency, nuclear type 16. Review status: criteria provided, single submitter. Criteria: ACMG Guidelines, 2015. Collection method: clinical testing. Allele origin: germline.
Comment: Null variant in a gene where loss of function (LOF) is a known mechanism of disease.;Absent from controls (or at extremely low frequency if recessive) in Genome Aggregation Database.

NM_024120.5(NDUFAF5):c.327+1G>A

Gene: NDUFAF5 (NADH:ubiquinone oxidoreductase complex assembly factor 5; plus strand). Cytogenetic location: 20p12.1.
Variant type: single nucleotide variant.
Coding change: c.327+1G>A on transcript NM_024120.5 (MANE Select); the canonical splice donor site of the intron after coding-DNA position 327, G replaced by A.
Molecular consequence: splice donor variant.
Genome position (GRCh38, 1-based): chr20:13,788,653, G>A. VCF-style: chr20-13788653-G-A. GRCh37 (hg19) VCF-style: chr20-13769299-G-A.
Other names: c.-235+1G>A (NM_001352407.2); c.-255+1G>A (NM_001352406.2); c.327+1G>A (NM_001039375.3, NM_001352408.2); c.-41+1G>A (NM_001352403.2).
Identifiers: ClinVar variation 5006356 (VCV005006356.2).
Genomic context (GRCh38, chr20:13,788,653, plus strand): 5'-TTCCCCCTTGCTTTGGATCTTGGTTGTGGAAGAGGTTACATTGCACAATATTTGAATAAG[G>A]TATATTTATTCAATGACCTAATTTACTTTGAAAAGTAACATTGGCTAATTTTAAAGAAAG-3'